The following is an entry in ClinVar:

NM_001012720.2(RGR):c.410T>A (p.Leu137Gln)

Gene: RGR (retinal G protein coupled receptor; plus strand). Cytogenetic location: 10q23.1.
Variant type: single nucleotide variant.
Coding change: c.410T>A on transcript NM_001012720.2 (MANE Select); coding-DNA position 410, T replaced by A.
Protein change: p.Leu137Gln; replaces leucine 137 with glutamine.
Molecular consequence: missense variant.
Genome position (GRCh38, 1-based): chr10:84,252,908, T>A. VCF-style: chr10-84252908-T-A. GRCh37 (hg19) VCF-style: chr10-86012664-T-A.
Other names: c.410T>A, p.Leu137Gln (NM_001012722.2); c.422T>A, p.Leu141Gln (NM_002921.4); c.410T>A (NM_001012720.1); short protein forms L141Q, L137Q.
Identifiers: ClinVar variation 1470953 (VCV001470953.9), dbSNP rs374204783, ClinGen allele CA5581434.

ClinVar aggregate classification (germline): Uncertain significance. Review status: criteria provided, multiple submitters, no conflicts (2 of 4 stars). 2 submissions from 2 submitters: Uncertain significance (2). Last evaluated 2025-08-25.

Allele frequency attached by ClinVar (database versions not stated): gnomAD exomes below 0.00001; ExAC 0.00001; gnomAD 0.00003; TOPMed 0.00004; ESP Exome Variant Server 0.00008.

Submissions (2):

Ambry Genetics
Classification: Uncertain significance. Last evaluated: 2025-08-25. Review status: criteria provided, single submitter. Criteria: Ambry Variant Classification Scheme 2023. Collection method: clinical testing. Allele origin: germline.

Labcorp Genetics (formerly Invitae), Labcorp
Classification: Uncertain significance. Last evaluated: 2025-03-10. Review status: criteria provided, single submitter. Criteria: Invitae Variant Classification Sherloc (09022015). Collection method: clinical testing. Allele origin: germline.
Comment: This sequence change replaces leucine, which is neutral and non-polar, with glutamine, which is neutral and polar, at codon 137 of the RGR protein (p.Leu137Gln). This variant is present in population databases (rs374204783, gnomAD 0.007%). This variant has not been reported in the literature in individuals affected with RGR-related conditions. ClinVar contains an entry for this variant (Variation ID: 1470953). Experimental studies and prediction algorithms are not available or were not evaluated, and the functional significance of this variant is currently unknown. In summary, the available evidence is currently insufficient to determine the role of this variant in disease. Therefore, it has been classified as a Variant of Uncertain Significance.